The following is an entry in ClinVar:

ClinVar aggregate classification (germline): Uncertain significance (1 of 4 stars; one submission).

Submission:

Labcorp Genetics (formerly Invitae), Labcorp
Classification: Uncertain significance. Last evaluated: 2023-04-26. Review status: criteria provided, single submitter. Criteria: Invitae Variant Classification Sherloc (09022015). Collection method: clinical testing. Allele origin: germline.
Comment: In summary, the available evidence is currently insufficient to determine the role of this variant in disease. Therefore, it has been classified as a Variant of Uncertain Significance. An algorithm developed to predict the effect of missense changes on protein structure and function (PolyPhen-2) suggests that this variant is likely to be disruptive. This variant has not been reported in the literature in individuals affected with SMAD2-related conditions. This variant is not present in population databases (gnomAD no frequency). This sequence change replaces serine, which is neutral and polar, with phenylalanine, which is neutral and non-polar, at codon 110 of the SMAD2 protein (p.Ser110Phe).

NM_005901.6(SMAD2):c.329C>T (p.Ser110Phe)

Gene: SMAD2 (SMAD family member 2; minus strand). Cytogenetic location: 18q21.1.
Variant type: single nucleotide variant.
Coding change: c.329C>T on transcript NM_005901.6 (MANE Select); coding-DNA position 329, C replaced by T.
Protein change: p.Ser110Phe; replaces serine 110 with phenylalanine.
Molecular consequence: missense variant.
Genome position (GRCh38, 1-based): chr18:47,869,434, G>A on the plus strand (C>T on the coding strand, the complement: SMAD2 is on the minus strand). VCF-style: chr18-47869434-G-A. GRCh37 (hg19) VCF-style: chr18-45395805-G-A.
Other names: c.329C>T, p.Ser110Phe (NM_001003652.4); c.239C>T, p.Ser80Phe (NM_001135937.3); short protein forms S110F, S80F.
Identifiers: ClinVar variation 2859317 (VCV002859317.3), dbSNP rs2144379830, ClinGen allele CA402502244.